The following is an entry in ClinVar:

NM_004168.4(SDHA):c.970G>A (p.Glu324Lys)

Gene: SDHA (succinate dehydrogenase complex flavoprotein subunit A; plus strand). Cytogenetic location: 5p15.33.
Variant type: single nucleotide variant.
Coding change: c.970G>A on transcript NM_004168.4 (MANE Select); coding-DNA position 970, G replaced by A.
Protein change: p.Glu324Lys; replaces glutamic acid 324 with lysine.
Molecular consequence: missense variant.
Genome position (GRCh38, 1-based): chr5:233,551, G>A. VCF-style: chr5-233551-G-A. GRCh37 (hg19) VCF-style: chr5-233666-G-A.
Other names: c.826G>A, p.Glu276Lys (NM_001294332.2); c.970G>A, p.Glu324Lys (NM_001330758.2); short protein forms E324K, E276K.
Identifiers: ClinVar variation 539687 (VCV000539687.27), dbSNP rs147014102, ClinGen allele CA3173048.

ClinVar aggregate classification (germline): Uncertain significance. Review status: criteria provided, multiple submitters, no conflicts (2 of 4 stars). 9 submissions from 9 submitters: Uncertain significance (8). 1 of the submissions does not count toward it. Last evaluated 2026-02-11.

Conditions:
Pheochromocytoma/paraganglioma syndrome 5. Also called: Paragangliomas 5; SDHA-Related Hereditary Paraganglioma-Pheochromocytoma Syndrome. Identifiers: Orphanet 29072, MedGen C3279992, MONDO:0013602, OMIM 614165.
Mitochondrial complex II deficiency, nuclear type 1. Also called: SUCCINATE CoQ REDUCTASE DEFICIENCY. Identifiers: Orphanet 3208, MedGen C5700310, MONDO:0100294, OMIM 252011.
Hereditary cancer-predisposing syndrome. Also called: Hereditary Cancer Syndrome; Tumor predisposition; Neoplastic Syndromes, Hereditary; Hereditary neoplastic syndrome. Identifiers: Orphanet 140162, MedGen C0027672, MeSH D009386, MONDO:0015356.
Dilated cardiomyopathy 1GG (CMD1GG). Identifiers: Orphanet 154, MedGen C3150898, MONDO:0013339, OMIM 613642.
Neurodegeneration with ataxia and late-onset optic atrophy. Identifiers: MedGen C5543254, MONDO:0031006, OMIM 619259.

Allele frequency attached by ClinVar (database versions not stated): gnomAD 0.00004; gnomAD exomes 0.00004 and 0.00008; TOPMed 0.00006; ExAC 0.00007; ESP Exome Variant Server 0.00015.

Submissions (9):

St. Jude Molecular Pathology, St. Jude Children's Research Hospital
Classification: Uncertain significance for Pheochromocytoma/paraganglioma syndrome 5. Last evaluated: 2026-02-11. Review status: criteria provided, single submitter. Criteria: St. Jude Assertion Criteria 2020. Collection method: clinical testing. Allele origin: germline.
Comment: The SDHA c.970G>A p.(Glu324Lys) missense change has a maximum subpopulation frequency of 0.05% in gnomAD v2.1.1. The in silico tool REVEL predicts a deleterious effect on protein function, but to our knowledge this prediction has not been confirmed by functional studies. To our knowledge, this variant has not been reported in indiv iduals with SDHA-associated tumors. In summary, the evidence currently available is insufficient to determine the clinical significance of this variant. It has therefore been classified as of uncertain significance.

Labcorp Genetics (formerly Invitae), Labcorp
Classification: Uncertain significance for Pheochromocytoma/paraganglioma syndrome 5; Mitochondrial complex II deficiency, nuclear type 1. Last evaluated: 2026-01-25. Review status: criteria provided, single submitter. Criteria: Invitae Variant Classification Sherloc (09022015). Collection method: clinical testing. Allele origin: germline.
Comment: This sequence change replaces glutamic acid, which is acidic and polar, with lysine, which is basic and polar, at codon 324 of the SDHA protein (p.Glu324Lys). This variant is present in population databases (rs147014102, gnomAD 0.05%). This variant has not been reported in the literature in individuals affected with SDHA-related conditions. ClinVar contains an entry for this variant (Variation ID: 539687). Invitae Evidence Modeling of protein sequence and biophysical properties (such as structural, functional, and spatial information, amino acid conservation, physicochemical variation, residue mobility, and thermodynamic stability) indicates that this missense variant is not expected to disrupt SDHA protein function with a negative predictive value of 95%. In summary, the available evidence is currently insufficient to determine the role of this variant in disease. Therefore, it has been classified as a Variant of Uncertain Significance.

CeGaT Center for Human Genetics Tuebingen
Classification: Uncertain significance. Last evaluated: 2025-09-01. Review status: criteria provided, single submitter. Criteria: CeGaT Center For Human Genetics Tuebingen Variant Classification Criteria Version 2. Collection method: clinical testing. Allele origin: germline. Affected: yes. Observed: 1 variant allele.
Comment: SDHA: PP3

Ambry Genetics
Classification: Uncertain significance for Hereditary cancer-predisposing syndrome. Last evaluated: 2024-04-25. Review status: criteria provided, single submitter. Criteria: Ambry Variant Classification Scheme 2023. Collection method: clinical testing. Allele origin: germline.
Comment: The p.E324K variant (also known as c.970G>A), located in coding exon 8 of the SDHA gene, results from a G to A substitution at nucleotide position 970. The glutamic acid at codon 324 is replaced by lysine, an amino acid with similar properties. This amino acid position is highly conserved in available vertebrate species. In addition, this alteration is predicted to be deleterious by in silico analysis. Based on the available evidence, the clinical significance of this variant remains unclear.

Fulgent Genetics
Classification: Uncertain significance for Mitochondrial complex II deficiency, nuclear type 1; Dilated cardiomyopathy 1GG; Pheochromocytoma/paraganglioma syndrome 5; Neurodegeneration with ataxia and late-onset optic atrophy. Last evaluated: 2024-03-24. Review status: criteria provided, single submitter. Criteria: ACMG Guidelines, 2015. Collection method: clinical testing. Allele origin: germline.

Baylor Genetics
Classification: Uncertain significance for Dilated cardiomyopathy 1GG. Last evaluated: 2023-10-09. Review status: criteria provided, single submitter. Criteria: ACMG Guidelines, 2015. Collection method: clinical testing. Allele origin: unknown.

Myriad Genetics, Inc.
Classification: Uncertain significance for Pheochromocytoma/paraganglioma syndrome 5. Last evaluated: 2023-04-20. Review status: criteria provided, single submitter. Criteria: Myriad Autosomal Dominant, Autosomal Recessive and X-Linked Classification Criteria (2023). Collection method: clinical testing. Allele origin: unknown.
Comment: This variant is classified as a variant of uncertain significance as there is insufficient evidence to determine its impact on protein function and/or cancer risk.

Blueprint Genetics
Classification: Uncertain significance. Last evaluated: 2022-07-25. Review status: criteria provided, single submitter. Criteria: ACMG Guidelines, 2015. Collection method: clinical testing. Allele origin: germline.

Counsyl
Classification: Uncertain significance for Pheochromocytoma/paraganglioma syndrome 5. Last evaluated: 2017-08-03. Review status: no assertion criteria provided. Collection method: clinical testing. Allele origin: unknown. Not counted in ClinVar's aggregate classification.